The following is an entry in ClinVar:

ClinVar aggregate classification (germline): Uncertain significance (1 of 4 stars; one submission).

Conditions:
Hereditary pheochromocytoma and paraganglioma. Also called: Hereditary pheochromocytoma-paraganglioma; Hereditary Paraganglioma-Pheochromocytoma Syndromes; Hereditary paragangliomas and pheochromocytomas. Identifiers: Orphanet 29072, MedGen C4274332, MONDO:0017366.

gnomAD v4.1: 1 of 1,613,938 alleles (0.000062%); highest among the groups gnomAD compares: Non-Finnish European, 0.000085%; no homozygotes.

Submission:

Labcorp Genetics (formerly Invitae), Labcorp
Classification: Uncertain significance for Hereditary pheochromocytoma and paraganglioma. Last evaluated: 2025-07-31. Review status: criteria provided, single submitter. Criteria: Invitae Variant Classification Sherloc (09022015). Collection method: clinical testing. Allele origin: germline.
Comment: This sequence change replaces methionine, which is neutral and non-polar, with isoleucine, which is neutral and non-polar, at codon 97 of the SDHAF2 protein (p.Met97Ile). This variant is not present in population databases (gnomAD no frequency). This variant has not been reported in the literature in individuals affected with SDHAF2-related conditions. An algorithm developed to predict the effect of missense changes on protein structure and function (PolyPhen-2) suggests that this variant is likely to be disruptive. In summary, the available evidence is currently insufficient to determine the role of this variant in disease. Therefore, it has been classified as a Variant of Uncertain Significance.

NM_017841.4(SDHAF2):c.291G>A (p.Met97Ile)

Gene: SDHAF2 (succinate dehydrogenase complex assembly factor 2; plus strand). Cytogenetic location: 11q12.2.
Variant type: single nucleotide variant.
Coding change: c.291G>A on transcript NM_017841.4 (MANE Select); coding-DNA position 291, G replaced by A.
Protein change: p.Met97Ile; replaces methionine 97 with isoleucine.
Molecular consequence: missense variant.
Genome position (GRCh38, 1-based): chr11:61,438,034, G>A. VCF-style: chr11-61438034-G-A. GRCh37 (hg19) VCF-style: chr11-61205506-G-A.
Other names: short protein forms M97I.
Identifiers: ClinVar variation 4694661 (VCV004694661.1).